The following is an entry in ClinVar:

ClinVar aggregate classification (germline): Uncertain significance (1 of 4 stars; one submission).

Conditions:
PLXNA2-related disorder. Also called: PLXNA2-related condition.

Submission:

PreventionGenetics, part of Exact Sciences
Classification: Uncertain significance for PLXNA2-related condition. Last evaluated: 2025-12-06. Review status: criteria provided, single submitter. Criteria: ACMG Guidelines, 2015. Collection method: clinical testing. Allele origin: germline.
Comment: The PLXNA2 c.2780C>A variant is predicted to result in the amino acid substitution p.Ser927Tyr. To our knowledge, this variant has not been reported in the literature or in a large population database (gnomAD), indicating this variant is rare. At this time, the clinical significance of this variant is uncertain due to the absence of conclusive functional and genetic evidence.

NM_025179.4(PLXNA2):c.2780C>A (p.Ser927Tyr)

Gene: PLXNA2 (plexin A2; minus strand). Cytogenetic location: 1q32.2.
Variant type: single nucleotide variant.
Coding change: c.2780C>A on transcript NM_025179.4 (MANE Select); coding-DNA position 2780, C replaced by A.
Protein change: p.Ser927Tyr; replaces serine 927 with tyrosine.
Molecular consequence: missense variant.
Genome position (GRCh38, 1-based): chr1:208,054,497, G>T on the plus strand (C>A on the coding strand, the complement: PLXNA2 is on the minus strand). VCF-style: chr1-208054497-G-T. GRCh37 (hg19) VCF-style: chr1-208227842-G-T.
Other names: short protein forms S927Y.
Identifiers: ClinVar variation 4985394 (VCV004985394.1).